The following is an entry in ClinVar:

NM_001378454.1(ALMS1):c.9066G>C (p.Gln3022His)

Gene: ALMS1 (ALMS1 centrosome and basal body associated protein; plus strand). Cytogenetic location: 2p13.1.
Variant type: single nucleotide variant.
Coding change: c.9066G>C on transcript NM_001378454.1 (MANE Select); coding-DNA position 9066, G replaced by C.
Protein change: p.Gln3022His; replaces glutamine 3022 with histidine.
Molecular consequence: missense variant.
Genome position (GRCh38, 1-based): chr2:73,491,025, G>C. VCF-style: chr2-73491025-G-C. GRCh37 (hg19) VCF-style: chr2-73718152-G-C.
Other names: c.9069G>C, p.Gln3023His (NM_015120.4); short protein forms Q3022H, Q3023H.
Identifiers: ClinVar variation 1765640 (VCV001765640.2), dbSNP rs2103894473, ClinGen allele CA347272823.
Genomic context (GRCh38, chr2:73,491,025, plus strand): 5'-GCCTAAATCACACATTTCTAATATAAATGTTGAAGCCAAGTTCAATACTGTGGTCTCCCA[G>C]TCAGCCCCAAATCACTGTACATTAGCAGCATCTGCATCTACTCCTCCTTCAAATAGAAAA-3'
Protein context (NP_001365383.1, residues 3012-3032): VEAKFNTVVS[Gln3022His]SAPNHCTLAA

ClinVar aggregate classification (germline): Uncertain significance (1 of 4 stars; one submission).

Conditions:
Cardiovascular phenotype. Identifiers: MedGen CN230736.

Submission:

Ambry Genetics
Classification: Uncertain significance for Cardiovascular phenotype. Last evaluated: 2020-11-16. Review status: criteria provided, single submitter. Criteria: Ambry Variant Classification Scheme 2023. Collection method: clinical testing. Allele origin: germline.
Comment: The p.Q3023H variant (also known as c.9069G>C), located in coding exon 10 of the ALMS1 gene, results from a G to C substitution at nucleotide position 9069. The glutamine at codon 3023 is replaced by histidine, an amino acid with highly similar properties. This amino acid position is not well conserved in available vertebrate species, and histidine is the reference amino acid in other vertebrate species. In addition, this alteration is predicted to be tolerated by in silico analysis. Since supporting evidence is limited at this time, the clinical significance of this alteration remains unclear.